The following is an entry in ClinVar:

NM_005732.4(RAD50):c.3431A>G (p.Asn1144Ser)

Genes: TH2-LCR (Th2 cytokine locus control region; plus strand), RAD50 (RAD50 double strand break repair protein; plus strand), TH2LCRR (T helper type 2 locus control region associated RNA; minus strand). Cytogenetic location: 5q31.1.
Variant type: single nucleotide variant.
Coding change: c.3431A>G on transcript NM_005732.4 (MANE Select); coding-DNA position 3431, A replaced by G.
Protein change: p.Asn1144Ser; replaces asparagine 1144 with serine.
Molecular consequence: missense variant.
Genome position (GRCh38, 1-based): chr5:132,637,156, A>G. VCF-style: chr5-132637156-A-G. GRCh37 (hg19) VCF-style: chr5-131972848-A-G.
Other names: short protein forms N1144S.
Identifiers: ClinVar variation 663721 (VCV000663721.12), dbSNP rs376109008, ClinGen allele CA3405573.

ClinVar aggregate classification (germline): Uncertain significance. Review status: criteria provided, multiple submitters, no conflicts (2 of 4 stars). 2 submissions from 2 submitters: Uncertain significance (2). Last evaluated 2023-09-21.

Conditions:
Hereditary cancer-predisposing syndrome. Also called: Neoplastic Syndromes, Hereditary; Tumor predisposition; Hereditary neoplastic syndrome; Hereditary Cancer Syndrome. Identifiers: Orphanet 140162, MedGen C0027672, MeSH D009386, MONDO:0015356.

Allele frequency attached by ClinVar (database versions not stated): gnomAD exomes below 0.00001 and 0.00001; ExAC 0.00001; gnomAD 0.00001; TOPMed 0.00002; ESP Exome Variant Server 0.00008.
gnomAD v4.1: 3 of 1,612,148 alleles (0.00019%); highest among the groups gnomAD compares: African/African-American, 0.0013%; no homozygotes.

Submissions (2):

Ambry Genetics
Classification: Uncertain significance for Hereditary cancer-predisposing syndrome. Last evaluated: 2023-09-21. Review status: criteria provided, single submitter. Criteria: Ambry Variant Classification Scheme 2023. Collection method: clinical testing. Allele origin: germline.
Comment: The p.N1144S variant (also known as c.3431A>G), located in coding exon 22 of the RAD50 gene, results from an A to G substitution at nucleotide position 3431. The asparagine at codon 1144 is replaced by serine, an amino acid with highly similar properties. This amino acid position is conserved. In addition, this alteration is predicted to be tolerated by in silico analysis. Since supporting evidence is limited at this time, the clinical significance of this alteration remains unclear.

Labcorp Genetics (formerly Invitae), Labcorp
Classification: Uncertain significance for Hereditary cancer-predisposing syndrome. Last evaluated: 2022-07-25. Review status: criteria provided, single submitter. Criteria: Invitae Variant Classification Sherloc (09022015). Collection method: clinical testing. Allele origin: germline.
Comment: In summary, the available evidence is currently insufficient to determine the role of this variant in disease. Therefore, it has been classified as a Variant of Uncertain Significance. This variant is present in population databases (rs376109008, gnomAD 0.007%). Algorithms developed to predict the effect of missense changes on protein structure and function are either unavailable or do not agree on the potential impact of this missense change (SIFT: "Deleterious"; PolyPhen-2: "Probably Damaging"; Align-GVGD: "Class C0"). ClinVar contains an entry for this variant (Variation ID: 663721). This variant has not been reported in the literature in individuals affected with RAD50-related conditions. This sequence change replaces asparagine, which is neutral and polar, with serine, which is neutral and polar, at codon 1144 of the RAD50 protein (p.Asn1144Ser).